The following is an entry in ClinVar:

ClinVar aggregate classification (germline): Conflicting classifications of pathogenicity. Review status: criteria provided, conflicting classifications (1 of 4 stars). 5 submissions from 5 submitters: Uncertain significance (1); Likely benign (3). 1 of the submissions does not count toward it. Last evaluated 2026-01-26.

Conditions:
SGSH-related disorder. Also called: SGSH-related condition.
Mucopolysaccharidosis, MPS-III-A (MPS3A). Also called: MUCOPOLYSACCHARIDOSIS, TYPE IIIA, ATTENUATED; Mucopolysaccharidosis type IIIA (Sanfilippo A); mucopolysaccharidosis type 3A; MPS IIIA (Sanfilippo Syndrome Type A); MPS III A; HEPARAN SULFATE SULFATASE DEFICIENCY. Identifiers: Orphanet 581, Orphanet 79269, MedGen C0086647, MONDO:0009655, OMIM 252900.

Allele frequency attached by ClinVar (database versions not stated): ESP Exome Variant Server 0.00015; gnomAD exomes 0.00011; gnomAD 0.00012 and 0.00013; TOPMed 0.00012; 1000 Genomes Project 0.00040; 1000 Genomes Project 30x 0.00047; ExAC 0.00009.
gnomAD v4.1: 216 of 1,613,094 alleles (0.013%); highest among the groups gnomAD compares: Middle Eastern, 0.12%; 1 homozygote.

Submissions (6):

Labcorp Genetics (formerly Invitae), Labcorp
Classification: Likely benign for Mucopolysaccharidosis, MPS-III-A. Last evaluated: 2026-01-26. Review status: criteria provided, single submitter. Criteria: Invitae Variant Classification Sherloc (09022015). Collection method: clinical testing. Allele origin: germline.

Blueprint Genetics
Classification: Likely benign. Last evaluated: 2024-11-08. Review status: criteria provided, single submitter. Criteria: ACMG Guidelines, 2015. Collection method: clinical testing. Allele origin: germline.

Genome-Nilou Lab
Classification: Likely benign for Mucopolysaccharidosis, MPS-III-A. Last evaluated: 2021-11-07. Review status: criteria provided, single submitter. Criteria: ACMG Guidelines, 2015. Collection method: clinical testing. Allele origin: germline. Affected: no.

Illumina Laboratory Services, Illumina
Classification: Uncertain significance for Mucopolysaccharidosis, MPS-III-A. Last evaluated: 2018-01-13. Review status: criteria provided, single submitter. Criteria: ICSL Variant Classification Criteria 13 December 2019. Collection method: clinical testing. Allele origin: germline.

PreventionGenetics, part of Exact Sciences
Classification: Likely benign for SGSH-related condition. Last evaluated: 2024-03-06. Review status: no assertion criteria provided. Collection method: clinical testing. Allele origin: germline. Not counted in ClinVar's aggregate classification.
Comment: This variant is classified as likely benign based on ACMG/AMP sequence variant interpretation guidelines (Richards et al. 2015 PMID: 25741868, with internal and published modifications).

Dr. Peter K. Rogan Lab, Western University
No classification provided (evidence only). Condition: Ovarian serous cystadenocarcinoma. Review status: no classification provided. Collection method: in vitro. Allele origin: not applicable. Functional consequence: retained intron. Not counted in ClinVar's aggregate classification.

NM_000199.5(SGSH):c.534C>T (p.His178=)

Gene: SGSH (N-sulfoglucosamine sulfohydrolase; minus strand). Cytogenetic location: 17q25.3.
Variant type: single nucleotide variant.
Coding change: c.534C>T on transcript NM_000199.5 (MANE Select); coding-DNA position 534, C replaced by T.
Protein change: p.His178=; no amino-acid change (histidine 178 retained).
Molecular consequence: synonymous variant. On other transcripts: non-coding transcript variant (1).
Genome position (GRCh38, 1-based): chr17:80,214,301, G>A on the plus strand (C>T on the coding strand, the complement: SGSH is on the minus strand). VCF-style: chr17-80214301-G-A. GRCh37 (hg19) VCF-style: chr17-78188100-G-A.
Other names: c.534C>T, p.His178= (NM_001352921.3, NM_001352922.2).
Identifiers: ClinVar variation 325842 (VCV000325842.21), dbSNP rs139484283, ClinGen allele CA8817955.